The following is an entry in ClinVar:

NM_015915.5(ATL1):c.1337G>A (p.Arg446His)

Gene: ATL1 (atlastin GTPase 1; plus strand). Cytogenetic location: 14q22.1.
Variant type: single nucleotide variant.
Coding change: c.1337G>A on transcript NM_015915.5 (MANE Select); coding-DNA position 1337, G replaced by A.
Protein change: p.Arg446His; replaces arginine 446 with histidine.
Molecular consequence: missense variant.
Genome position (GRCh38, 1-based): chr14:50,628,248, G>A. VCF-style: chr14-50628248-G-A. GRCh37 (hg19) VCF-style: chr14-51094966-G-A.
Other names: c.1337G>A, p.Arg446His (NM_001127713.1, NM_181598.4); short protein forms R446H.
Identifiers: ClinVar variation 1914078 (VCV001914078.5), dbSNP rs760599236, ClinGen allele CA260794772.

ClinVar aggregate classification (germline): Uncertain significance (1 of 4 stars; one submission).

Conditions:
Hereditary spastic paraplegia 3A (SPG3A). Also called: Spastic Paraplegia 3A; SPASTIC PARAPLEGIA 3, AUTOSOMAL DOMINANT; FAMILIAL SPASTIC PARAPLEGIA, AUTOSOMAL DOMINANT, 1; SPG3; STRUMPELL DISEASE; Spastic paraplegia 3A, autosomal dominant. Identifiers: Orphanet 100984, MedGen C2931355, MONDO:0008437, OMIM 182600.

Allele frequency attached by ClinVar (database versions not stated): gnomAD exomes 0.00001.

Submission:

Labcorp Genetics (formerly Invitae), Labcorp
Classification: Uncertain significance for Hereditary spastic paraplegia 3A. Last evaluated: 2022-04-07. Review status: criteria provided, single submitter. Criteria: Invitae Variant Classification Sherloc (09022015). Collection method: clinical testing. Allele origin: germline.
Comment: In summary, the available evidence is currently insufficient to determine the role of this variant in disease. Therefore, it has been classified as a Variant of Uncertain Significance. This sequence change replaces arginine, which is basic and polar, with histidine, which is basic and polar, at codon 446 of the ATL1 protein (p.Arg446His). Algorithms developed to predict the effect of missense changes on protein structure and function (SIFT, PolyPhen-2, Align-GVGD) all suggest that this variant is likely to be disruptive. This variant has not been reported in the literature in individuals affected with ATL1-related conditions. This variant is not present in population databases (gnomAD no frequency).